The following is an entry in ClinVar:

ClinVar aggregate classification (germline): Benign/Likely benign. Review status: criteria provided, multiple submitters, no conflicts (2 of 4 stars). 4 submissions from 4 submitters: Benign (2); Likely benign (2). Last evaluated 2025-12-31.

Conditions:
Pulmonary hypertension, primary, 1 (PPH1). Also called: Pulmonary hypertension, familial primary, 1, with or without HHT. Identifiers: Orphanet 422, MedGen C4552070, MONDO:0024533, OMIM 178600.
Pulmonary venoocclusive disease 1 (PVOD1). Also called: Pulmonary venoocclusive disease 1, autosomal dominant. Identifiers: Orphanet 31837, MedGen C3887658, MONDO:0020713, OMIM 265450.
Inborn genetic diseases. Identifiers: MedGen C0950123, MeSH D030342.
Primary pulmonary hypertension. Also called: Idiopathic pulmonary hypertension. Identifiers: MedGen C0152171.

Allele frequency attached by ClinVar (database versions not stated): gnomAD exomes 0.00003 and 0.00006; gnomAD 0.00023 and 0.00027; ESP Exome Variant Server 0.00031; ExAC 0.00002; TOPMed 0.00030.
gnomAD v4.1: 77 of 1,613,966 alleles (0.0048%); highest among the groups gnomAD compares: African/African-American, 0.097%; no homozygotes.

Submissions (4):

Labcorp Genetics (formerly Invitae), Labcorp
Classification: Benign for Primary pulmonary hypertension. Last evaluated: 2025-12-31. Review status: criteria provided, single submitter. Criteria: Invitae Variant Classification Sherloc (09022015). Collection method: clinical testing. Allele origin: germline.

Fulgent Genetics
Classification: Likely benign for Pulmonary hypertension, primary, 1; Pulmonary venoocclusive disease 1. Last evaluated: 2021-09-12. Review status: criteria provided, single submitter. Criteria: ACMG Guidelines, 2015. Collection method: clinical testing. Allele origin: unknown.

Ambry Genetics
Classification: Likely benign for Inborn genetic diseases. Last evaluated: 2020-10-07. Review status: criteria provided, single submitter. Criteria: Ambry Variant Classification Scheme 2023. Collection method: clinical testing. Allele origin: germline.

Illumina Laboratory Services, Illumina
Classification: Benign for Pulmonary hypertension, primary, 1. Last evaluated: 2018-01-12. Review status: criteria provided, single submitter. Criteria: ICSL Variant Classification Criteria 13 December 2019. Collection method: clinical testing. Allele origin: germline.
Comment: This variant was observed in the ICSL laboratory as part of a predisposition screen in an ostensibly healthy population. It had not been previously curated by ICSL or reported in the Human Gene Mutation Database (HGMD: prior to June 1st, 2018), and was therefore a candidate for classification through an automated scoring system. Utilizing variant allele frequency, disease prevalence and penetrance estimates, and inheritance mode, an automated score was calculated to assess if this variant is too frequent to cause the disease. Based on the score and internal cut-off values, a variant classified as benign is not then subjected to further curation. The score for this variant resulted in a classification of benign for this disease.

NM_001204.7(BMPR2):c.549T>C (p.Leu183=)

Gene: BMPR2 (bone morphogenetic protein receptor type 2; plus strand). Cytogenetic location: 2q33.2.
Variant type: single nucleotide variant.
Coding change: c.549T>C on transcript NM_001204.7 (MANE Select); coding-DNA position 549, T replaced by C.
Protein change: p.Leu183=; no amino-acid change (leucine 183 retained).
Molecular consequence: synonymous variant.
Genome position (GRCh38, 1-based): chr2:202,514,907, T>C. VCF-style: chr2-202514907-T-C. GRCh37 (hg19) VCF-style: chr2-203379630-T-C.
Identifiers: ClinVar variation 896823 (VCV000896823.9), dbSNP rs142769493, ClinGen allele CA2061147.
Genomic context (GRCh38, chr2:202,514,907, plus strand): 5'-AAGAAAACCATATATTAGTAACCTGTTTCCTGTTCTTATAGGAGACCGTAAACAAGGTCT[T>C]CACAGTATGAACATGATGGAGGCAGCAGCATCCGAACCCTCTCTTGATCTAGATAATCTG-3'
Protein context (NP_001195.2, residues 173-193): RMLTGDRKQG[Leu183=]HSMNMMEAAA